The following is an entry in ClinVar:

NM_001367624.2(ZNF469):c.3083G>T (p.Arg1028Leu)

Gene: ZNF469 (zinc finger protein 469; plus strand). Cytogenetic location: 16q24.2.
Variant type: single nucleotide variant.
Coding change: c.3083G>T on transcript NM_001367624.2 (MANE Select); coding-DNA position 3083, G replaced by T.
Protein change: p.Arg1028Leu; replaces arginine 1028 with leucine.
Molecular consequence: missense variant.
Genome position (GRCh38, 1-based): chr16:88,430,553, G>T. VCF-style: chr16-88430553-G-T. GRCh37 (hg19) VCF-style: chr16-88496961-G-T.
Other names: short protein forms R1028L.
Identifiers: ClinVar variation 3700570 (VCV003700570.2).
Genomic context (GRCh38, chr16:88,430,553, plus strand): 5'-CCGCGCCCCGGGTCCCGAGAGCCGCCGCCCTCCCCGAGGAGACCCGCAGCTCCCGGCGCC[G>T]CCGGCTGCCCCCCAGGAAGGACCCCAGGAAGAGGAAGGCTCGGGGCGGCGCCTGGGGCAA-3'
Protein context (NP_001354553.1, residues 1018-1038): LPEETRSSRR[Arg1028Leu]RLPPRKDPRK

ClinVar aggregate classification (germline): Uncertain significance (1 of 4 stars; one submission).

gnomAD v4.1: 2 of 1,470,038 alleles (0.00014%); highest among the groups gnomAD compares: Non-Finnish European, 0.00018%; no homozygotes.

Submission:

Labcorp Genetics (formerly Invitae), Labcorp
Classification: Uncertain significance. Last evaluated: 2024-09-06. Review status: criteria provided, single submitter. Criteria: Invitae Variant Classification Sherloc (09022015). Collection method: clinical testing. Allele origin: germline.
Comment: This sequence change replaces arginine, which is basic and polar, with leucine, which is neutral and non-polar, at codon 1028 of the ZNF469 protein (p.Arg1028Leu). This variant is not present in population databases (gnomAD no frequency). This variant has not been reported in the literature in individuals affected with ZNF469-related conditions. An algorithm developed to predict the effect of missense changes on protein structure and function outputs the following: PolyPhen-2: "Benign". The leucine amino acid residue is found in multiple mammalian species, which suggests that this missense change does not adversely affect protein function. In summary, the available evidence is currently insufficient to determine the role of this variant in disease. Therefore, it has been classified as a Variant of Uncertain Significance.